The following is an entry in ClinVar:

ClinVar aggregate classification (germline): Likely benign. Review status: criteria provided, multiple submitters, no conflicts (2 of 4 stars). 3 submissions from 3 submitters: Likely benign (2). 1 of the submissions does not count toward it. Last evaluated 2024-10-23.

Conditions:
TERT-related disorder. Also called: TERT-related disorders; TERT-related condition.
Dyskeratosis congenita. Identifiers: Orphanet 1775, MedGen C0265965, MONDO:0015780.
Idiopathic Pulmonary Fibrosis. Also called: Idiopathic fibrosing alveolitis, chronic form; idiopathic fibrosing alveolitis. Identifiers: Orphanet 2032, MedGen C1800706, MeSH D054990, MONDO:0800504.
Dyskeratosis congenita, autosomal dominant 2. Identifiers: MedGen C3151443, MONDO:0013521, OMIM 613989.

Submissions (3):

Labcorp Genetics (formerly Invitae), Labcorp
Classification: Likely benign for Dyskeratosis congenita, autosomal dominant 2; Idiopathic Pulmonary Fibrosis. Last evaluated: 2024-10-23. Review status: criteria provided, single submitter. Criteria: Invitae Variant Classification Sherloc (09022015). Collection method: clinical testing. Allele origin: germline.

Ambry Genetics
Classification: Likely benign for Dyskeratosis congenita. Last evaluated: 2023-02-04. Review status: criteria provided, single submitter. Criteria: Ambry Variant Classification Scheme 2023. Collection method: clinical testing. Allele origin: germline.

PreventionGenetics, part of Exact Sciences
Classification: Likely benign for TERT-related condition. Last evaluated: 2020-06-19. Review status: no assertion criteria provided. Collection method: clinical testing. Allele origin: germline. Not counted in ClinVar's aggregate classification.
Comment: This variant is classified as likely benign based on ACMG/AMP sequence variant interpretation guidelines (Richards et al. 2015 PMID: 25741868, with internal and published modifications).

NM_198253.3(TERT):c.687C>T (p.Ser229=)

Gene: TERT (telomerase reverse transcriptase; minus strand). Cytogenetic location: 5p15.33.
Variant type: single nucleotide variant.
Coding change: c.687C>T on transcript NM_198253.3 (MANE Select); coding-DNA position 687, C replaced by T.
Protein change: p.Ser229=; no amino-acid change (serine 229 retained).
Molecular consequence: synonymous variant. On other transcripts: non-coding transcript variant (2).
Genome position (GRCh38, 1-based): chr5:1,294,199, G>A on the plus strand (C>T on the coding strand, the complement: TERT is on the minus strand). VCF-style: chr5-1294199-G-A. GRCh37 (hg19) VCF-style: chr5-1294314-G-A.
Other names: c.687C>T, p.Ser229= (NM_001193376.3).
Identifiers: ClinVar variation 471894 (VCV000471894.15), dbSNP rs1554043016, ClinGen allele CA443239924.